The following is an entry in ClinVar:

ClinVar aggregate classification (germline): Uncertain significance (1 of 4 stars; one submission).

Conditions:
Glycogen storage disease type III (GSD3). Also called: Cori disease; FORBES DISEASE. Identifiers: Orphanet 366, MedGen C0017922, MONDO:0009291, OMIM 232400.

Submission:

Labcorp Genetics (formerly Invitae), Labcorp
Classification: Uncertain significance for Glycogen storage disease type III. Last evaluated: 2022-04-18. Review status: criteria provided, single submitter. Criteria: Invitae Variant Classification Sherloc (09022015). Collection method: clinical testing. Allele origin: germline.
Comment: In summary, the available evidence is currently insufficient to determine the role of this variant in disease. Therefore, it has been classified as a Variant of Uncertain Significance. This sequence change replaces tyrosine, which is neutral and polar, with histidine, which is basic and polar, at codon 1424 of the AGL protein (p.Tyr1424His). This variant is not present in population databases (gnomAD no frequency). This variant has not been reported in the literature in individuals affected with AGL-related conditions. Algorithms developed to predict the effect of missense changes on protein structure and function (SIFT, PolyPhen-2, Align-GVGD) all suggest that this variant is likely to be disruptive.

NM_000642.3(AGL):c.4270T>C (p.Tyr1424His)

Gene: AGL (amylo-alpha-1,6-glucosidase and 4-alpha-glucanotransferase; plus strand). Cytogenetic location: 1p21.2.
Variant type: single nucleotide variant.
Coding change: c.4270T>C on transcript NM_000642.3 (MANE Select); coding-DNA position 4270, T replaced by C.
Protein change: p.Tyr1424His; replaces tyrosine 1424 with histidine.
Molecular consequence: missense variant.
Genome position (GRCh38, 1-based): chr1:99,916,420, T>C. VCF-style: chr1-99916420-T-C. GRCh37 (hg19) VCF-style: chr1-100381976-T-C.
Other names: c.4270T>C, p.Tyr1424His (NM_000028.3, NM_000643.3, NM_000644.3 and 1 more transcripts); c.4222T>C, p.Tyr1408His (NM_000646.3); c.4249T>C, p.Tyr1417His (NM_001425326.1); c.4069T>C, p.Tyr1357His (NM_001425327.1); c.4066T>C, p.Tyr1356His (NM_001425328.1); c.3931T>C, p.Tyr1311His (NM_001425329.1); c.3892T>C, p.Tyr1298His (NM_001425332.1); short protein forms Y1408H, Y1424H, Y1298H, Y1311H, Y1356H, Y1357H, Y1417H.
Identifiers: ClinVar variation 2127554 (VCV002127554.4), dbSNP rs2523861158, ClinGen allele CA341342207.